The following is an entry in ClinVar:

ClinVar aggregate classification (germline): Benign/Likely benign. Review status: criteria provided, multiple submitters, no conflicts (2 of 4 stars). 5 submissions from 5 submitters: Benign (2); Likely benign (3). Last evaluated 2026-01-05.

Conditions:
Holoprosencephaly 11 (HPE11). Identifiers: Orphanet 2162, MedGen C3280215, MONDO:0013642, OMIM 614226.
Inborn genetic diseases. Identifiers: MedGen C0950123, MeSH D030342.

Allele frequency attached by ClinVar (database versions not stated): ESP Exome Variant Server 0.00223; gnomAD 0.00303; TOPMed 0.00329; 1000 Genomes Project 0.00399; 1000 Genomes Project 30x 0.00453.
gnomAD v4.1: 987 of 1,614,118 alleles (0.061%); highest among the groups gnomAD compares: African/African-American, 0.98%; 7 homozygotes.

Submissions (5):

Labcorp Genetics (formerly Invitae), Labcorp
Classification: Benign for Holoprosencephaly 11. Last evaluated: 2026-01-05. Review status: criteria provided, single submitter. Criteria: Invitae Variant Classification Sherloc (09022015). Collection method: clinical testing. Allele origin: germline.

Ambry Genetics
Classification: Likely benign for Inborn genetic diseases. Last evaluated: 2025-01-20. Review status: criteria provided, single submitter. Criteria: Ambry Variant Classification Scheme 2023. Collection method: clinical testing. Allele origin: germline.

Blueprint Genetics
Classification: Likely benign. Last evaluated: 2024-11-13. Review status: criteria provided, single submitter. Criteria: ACMG Guidelines, 2015. Collection method: clinical testing. Allele origin: germline.

GeneDx
Classification: Likely benign. Last evaluated: 2019-05-01. Review status: criteria provided, single submitter. Criteria: GeneDx Variant Classification Process June 2021. Collection method: clinical testing. Allele origin: germline. Affected: yes.
Comment: See Variant Classification Assertion Criteria.

Breakthrough Genomics
Classification: Benign. Review status: criteria provided, single submitter. Criteria: ACMG Guidelines, 2015. Collection method: not provided. Allele origin: germline. Inheritance: Autosomal dominant inheritance. Affected: yes.

NM_001378964.1(CDON):c.2923G>A (p.Val975Ile)

Gene: CDON (cell adhesion associated, oncogene regulated; minus strand). Cytogenetic location: 11q24.2.
Variant type: single nucleotide variant.
Coding change: c.2923G>A on transcript NM_001378964.1 (MANE Select); coding-DNA position 2923, G replaced by A.
Protein change: p.Val975Ile; replaces valine 975 with isoleucine.
Molecular consequence: missense variant.
Genome position (GRCh38, 1-based): chr11:125,983,944, C>T on the plus strand (G>A on the coding strand, the complement: CDON is on the minus strand). VCF-style: chr11-125983944-C-T. GRCh37 (hg19) VCF-style: chr11-125853839-C-T.
Other names: c.2923G>A, p.Val975Ile (NM_001243597.3, NM_016952.6); short protein forms V975I.
Identifiers: ClinVar variation 539751 (VCV000539751.15), dbSNP rs113921147, ClinGen allele CA6351578.